The following is an entry in ClinVar:

ClinVar aggregate classification (germline): Uncertain significance. Review status: criteria provided, multiple submitters, no conflicts (2 of 4 stars). 3 submissions from 3 submitters: Uncertain significance (3). Last evaluated 2026-05-13.

Conditions:
UNC45A-related disorder. Also called: UNC45A-related condition.
Inborn genetic diseases. Identifiers: MedGen C0950123, MeSH D030342.

gnomAD v4.1: 278 of 1,614,016 alleles (0.017%); highest among the groups gnomAD compares: Admixed American, 0.085%; 1 homozygote.

Submissions (3):

PreventionGenetics, part of Exact Sciences
Classification: Uncertain significance for UNC45A-related condition. Last evaluated: 2026-05-13. Review status: criteria provided, single submitter. Criteria: ACMG Guidelines, 2015. Collection method: clinical testing. Allele origin: germline.
Comment: The UNC45A c.1432G>C variant is predicted to result in the amino acid substitution p.Gly478Arg. To our knowledge, this variant has not been reported in the literature. This variant is reported in 0.070% of alleles in individuals of Ashkenazi Jewish descent in gnomAD. Although we suspect that this variant may be benign, at this time, the clinical significance of this variant is uncertain due to the absence of conclusive functional and genetic evidence.

Ambry Genetics
Classification: Uncertain significance for Inborn genetic diseases. Last evaluated: 2025-07-02. Review status: criteria provided, single submitter. Criteria: Ambry Variant Classification Scheme 2023. Collection method: clinical testing. Allele origin: germline.

Labcorp Genetics (formerly Invitae), Labcorp
Classification: Uncertain significance. Last evaluated: 2022-10-24. Review status: criteria provided, single submitter. Criteria: Invitae Variant Classification Sherloc (09022015). Collection method: clinical testing. Allele origin: germline.
Comment: This sequence change replaces glycine, which is neutral and non-polar, with arginine, which is basic and polar, at codon 478 of the UNC45A protein (p.Gly478Arg). This variant is present in population databases (rs113080417, gnomAD 0.07%). This variant has not been reported in the literature in individuals affected with UNC45A-related conditions. ClinVar contains an entry for this variant (Variation ID: 1504858). Advanced modeling of protein sequence and biophysical properties (such as structural, functional, and spatial information, amino acid conservation, physicochemical variation, residue mobility, and thermodynamic stability) performed at Invitae indicates that this missense variant is expected to disrupt UNC45A protein function. In summary, the available evidence is currently insufficient to determine the role of this variant in disease. Therefore, it has been classified as a Variant of Uncertain Significance.

NM_018671.5(UNC45A):c.1432G>C (p.Gly478Arg)

Gene: UNC45A (unc-45 myosin chaperone A; plus strand). Cytogenetic location: 15q26.1.
Variant type: single nucleotide variant.
Coding change: c.1432G>C on transcript NM_018671.5 (MANE Select); coding-DNA position 1432, G replaced by C.
Protein change: p.Gly478Arg; replaces glycine 478 with arginine.
Molecular consequence: missense variant.
Genome position (GRCh38, 1-based): chr15:90,946,846, G>C. VCF-style: chr15-90946846-G-C. GRCh37 (hg19) VCF-style: chr15-91490076-G-C.
Other names: c.1432G>C (NM_018671.3); c.1387G>C, p.Gly463Arg (NM_001039675.2, NM_001323621.2); c.1432G>C, p.Gly478Arg (NM_001323619.1); c.997G>C, p.Gly333Arg (NM_001323620.2); short protein forms G463R, G333R, G478R.
Identifiers: ClinVar variation 1504858 (VCV001504858.7), dbSNP rs113080417, ClinGen allele CA7742897.
Genomic context (GRCh38, chr15:90,946,846, plus strand): 5'-GTGGAGGCTCTGATCCATGCAGCCGGCAAGGCTAAGCGGGCCTCATTCATCACTGCCAAT[G>C]GTGTCTCGCTGCTGAAGGACCTATATAAGTGCAGCGAGAAGGACAGCATCCGCATCCGGG-3'
Protein context (NP_061141.2, residues 468-488): AKRASFITAN[Gly478Arg]VSLLKDLYKC